The following is an entry in ClinVar:

ClinVar aggregate classification (germline): Conflicting classifications of pathogenicity. Review status: criteria provided, conflicting classifications (1 of 4 stars). 2 submissions from 2 submitters: Uncertain significance (1); Likely benign (1). Last evaluated 2026-02-03.

Conditions:
Renal cell carcinoma. Identifiers: Orphanet 217071, MedGen C0007134, MeSH D002292, MONDO:0005086, HP:0005584.
Hereditary cancer-predisposing syndrome. Also called: Hereditary neoplastic syndrome; Neoplastic Syndromes, Hereditary; Tumor predisposition; Hereditary Cancer Syndrome. Identifiers: Orphanet 140162, MedGen C0027672, MeSH D009386, MONDO:0015356.

gnomAD v4.1: 5 of 1,614,042 alleles (0.00031%); highest among the groups gnomAD compares: Non-Finnish European, 0.00042%; no homozygotes.

Submissions (2):

Ambry Genetics
Classification: Likely benign for Hereditary cancer-predisposing syndrome. Last evaluated: 2026-02-03. Review status: criteria provided, single submitter. Criteria: Ambry Variant Classification Scheme 2023. Collection method: clinical testing. Allele origin: germline.

Labcorp Genetics (formerly Invitae), Labcorp
Classification: Uncertain significance for Renal cell carcinoma. Last evaluated: 2022-06-17. Review status: criteria provided, single submitter. Criteria: Invitae Variant Classification Sherloc (09022015). Collection method: clinical testing. Allele origin: germline.
Comment: This variant is not present in population databases (gnomAD no frequency). This sequence change replaces asparagine, which is neutral and polar, with lysine, which is basic and polar, at codon 115 of the MET protein (p.Asn115Lys). This variant has not been reported in the literature in individuals affected with MET-related conditions. In summary, the available evidence is currently insufficient to determine the role of this variant in disease. Therefore, it has been classified as a Variant of Uncertain Significance. Algorithms developed to predict the effect of missense changes on protein structure and function are either unavailable or do not agree on the potential impact of this missense change (SIFT: "Deleterious"; PolyPhen-2: "Probably Damaging"; Align-GVGD: "Class C0").

NM_000245.4(MET):c.345C>G (p.Asn115Lys)

Gene: MET (MET proto-oncogene, receptor tyrosine kinase; plus strand). Cytogenetic location: 7q31.2.
Variant type: single nucleotide variant.
Coding change: c.345C>G on transcript NM_000245.4 (MANE Select); coding-DNA position 345, C replaced by G.
Protein change: p.Asn115Lys; replaces asparagine 115 with lysine.
Molecular consequence: missense variant. On other transcripts: intron variant (1).
Genome position (GRCh38, 1-based): chr7:116,699,429, C>G. VCF-style: chr7-116699429-C-G. GRCh37 (hg19) VCF-style: chr7-116339483-C-G.
Other names: c.345C>G, p.Asn115Lys (NM_001127500.3, NM_001324401.3); c.-91+26852C>G (NM_001324402.2); short protein forms N115K.
Identifiers: ClinVar variation 2155530 (VCV002155530.5), dbSNP rs774038166, ClinGen allele CA368968873.